The following is an entry in ClinVar:

NM_000823.4(GHRHR):c.366+13T>G

Gene: GHRHR (growth hormone releasing hormone receptor; plus strand). Cytogenetic location: 7p14.3.
Variant type: single nucleotide variant.
Coding change: c.366+13T>G on transcript NM_000823.4 (MANE Select); 13 bases into the intron after coding-DNA position 366, T replaced by G.
Molecular consequence: intron variant.
Genome position (GRCh38, 1-based): chr7:30,969,977, T>G. VCF-style: chr7-30969977-T-G. GRCh37 (hg19) VCF-style: chr7-31009592-T-G.
Identifiers: ClinVar variation 36275 (VCV000036275.18), dbSNP rs4988499, ClinGen allele CA213878.

ClinVar aggregate classification (germline): Benign. Review status: criteria provided, multiple submitters, no conflicts (2 of 4 stars). 4 submissions from 4 submitters: Benign (4). Last evaluated 2026-02-03.

Conditions:
Idiopathic growth hormone deficiency (IGHD). Identifiers: MedGen C0342381.
Isolated growth hormone deficiency type IB (IGHD1B). Also called: IGHD IB; IGHD 1B. Identifiers: Orphanet 231671, Orphanet 631, MedGen C2748571, MONDO:0013006, OMIM 612781.

Allele frequency attached by ClinVar (database versions not stated): gnomAD exomes 0.03173; ExAC 0.03494; gnomAD 0.04889 and 0.04905; TOPMed 0.05183; ESP Exome Variant Server 0.05328; 1000 Genomes Project 0.06170; 1000 Genomes Project 30x 0.06230.

Submissions (4):

Labcorp Genetics (formerly Invitae), Labcorp
Classification: Benign. Last evaluated: 2026-02-03. Review status: criteria provided, single submitter. Criteria: Invitae Variant Classification Sherloc (09022015). Collection method: clinical testing. Allele origin: germline.

GeneDx
Classification: Benign. Last evaluated: 2021-06-19. Review status: criteria provided, single submitter. Criteria: GeneDx Variant Classification Process June 2021. Collection method: clinical testing. Allele origin: germline. Affected: yes.

Illumina Laboratory Services, Illumina
Classification: Benign for Isolated growth hormone deficiency type IB. Last evaluated: 2018-01-13. Review status: criteria provided, single submitter. Criteria: ICSL Variant Classification Criteria 13 December 2019. Collection method: clinical testing. Allele origin: germline.
Comment: This variant was observed in the ICSL laboratory as part of a predisposition screen in an ostensibly healthy population. It had not been previously curated by ICSL or reported in the Human Gene Mutation Database (HGMD: prior to June 1st, 2018), and was therefore a candidate for classification through an automated scoring system. Utilizing variant allele frequency, disease prevalence and penetrance estimates, and inheritance mode, an automated score was calculated to assess if this variant is too frequent to cause the disease. Based on the score and internal cut-off values, a variant classified as benign is not then subjected to further curation. The score for this variant resulted in a classification of benign for this disease.

Women's Health and Genetics/Laboratory Corporation of America, LabCorp
Classification: Benign for Idiopathic Growth Hormone Deficiency. Last evaluated: 2011-08-18. Review status: criteria provided, single submitter. Criteria: LabCorp Variant Classification Summary - May 2015. Collection method: curation, clinical testing. Allele origin: germline. Inheritance: autosomal unknown. Affected: yes.
ClinVar note: Converted during submission from benign to Benign.